The following is an entry in ClinVar:

ClinVar aggregate classification (germline): Uncertain significance (1 of 4 stars; one submission).

Submission:

Labcorp Genetics (formerly Invitae), Labcorp
Classification: Uncertain significance. Last evaluated: 2022-08-16. Review status: criteria provided, single submitter. Criteria: Invitae Variant Classification Sherloc (09022015). Collection method: clinical testing. Allele origin: germline.
Comment: This sequence change replaces threonine, which is neutral and polar, with methionine, which is neutral and non-polar, at codon 243 of the MESP2 protein (p.Thr243Met). This variant is not present in population databases (gnomAD no frequency). This variant has not been reported in the literature in individuals affected with MESP2-related conditions. ClinVar contains an entry for this variant (Variation ID: 1405128). Algorithms developed to predict the effect of missense changes on protein structure and function output the following: SIFT: "Tolerated"; PolyPhen-2: "Benign"; Align-GVGD: "Class C0". The methionine amino acid residue is found in multiple mammalian species, which suggests that this missense change does not adversely affect protein function. In summary, the available evidence is currently insufficient to determine the role of this variant in disease. Therefore, it has been classified as a Variant of Uncertain Significance.

NM_001039958.2(MESP2):c.728C>T (p.Thr243Met)

Gene: MESP2 (mesoderm posterior bHLH transcription factor 2; plus strand). Cytogenetic location: 15q26.1.
Variant type: single nucleotide variant.
Coding change: c.728C>T on transcript NM_001039958.2 (MANE Select); coding-DNA position 728, C replaced by T.
Protein change: p.Thr243Met; replaces threonine 243 with methionine.
Molecular consequence: missense variant.
Genome position (GRCh38, 1-based): chr15:89,777,085, C>T. VCF-style: chr15-89777085-C-T. GRCh37 (hg19) VCF-style: chr15-90320316-C-T.
Other names: short protein forms T243M.
Identifiers: ClinVar variation 1405128 (VCV001405128.5), dbSNP rs1295593136, ClinGen allele CA393773489.